The following is an entry in ClinVar:

NM_003730.6(RNASET2):c.73G>T (p.Asp25Tyr)

Gene: RNASET2 (ribonuclease T2; minus strand). Cytogenetic location: 6q27.
Variant type: single nucleotide variant.
Coding change: c.73G>T on transcript NM_003730.6 (MANE Select); coding-DNA position 73, G replaced by T.
Protein change: p.Asp25Tyr; replaces aspartic acid 25 with tyrosine.
Molecular consequence: missense variant.
Genome position (GRCh38, 1-based): chr6:166,956,110, C>A on the plus strand (G>T on the coding strand, the complement: RNASET2 is on the minus strand). VCF-style: chr6-166956110-C-A. GRCh37 (hg19) VCF-style: chr6-167369598-C-A.
Other names: short protein forms D25Y.
Identifiers: ClinVar variation 5040323 (VCV005040323.1).

ClinVar aggregate classification (germline): Uncertain significance (1 of 4 stars; one submission).

Submission:

CeGaT Center for Human Genetics Tuebingen
Classification: Uncertain significance. Last evaluated: 2026-07-01. Review status: criteria provided, single submitter. Criteria: CeGaT Center For Human Genetics Tuebingen Variant Classification Criteria Version 2. Collection method: clinical testing. Allele origin: germline. Affected: yes. Observed: 1 variant allele.
Comment: RNASET2: PM2, BP4